The following is an entry in ClinVar:

ClinVar aggregate classification (germline): Uncertain significance (1 of 4 stars; one submission).

Allele frequency attached by ClinVar (database versions not stated): gnomAD 0.00001; TOPMed 0.00002.
gnomAD v4.1: 1 of 1,597,882 alleles (0.000063%); highest among the groups gnomAD compares: Non-Finnish European, 0.000086%; no homozygotes.

Submission:

Labcorp Genetics (formerly Invitae), Labcorp
Classification: Uncertain significance. Last evaluated: 2022-05-27. Review status: criteria provided, single submitter. Criteria: Invitae Variant Classification Sherloc (09022015). Collection method: clinical testing. Allele origin: germline.
Comment: This sequence change replaces glutamine, which is neutral and polar, with arginine, which is basic and polar, at codon 1482 of the PTPN23 protein (p.Gln1482Arg). In summary, the available evidence is currently insufficient to determine the role of this variant in disease. Therefore, it has been classified as a Variant of Uncertain Significance. Algorithms developed to predict the effect of sequence changes on RNA splicing suggest that this variant may disrupt the consensus splice site. Algorithms developed to predict the effect of missense changes on protein structure and function are either unavailable or do not agree on the potential impact of this missense change (SIFT: "Tolerated"; PolyPhen-2: "Possibly Damaging"; Align-GVGD: "Class C0"). This variant has not been reported in the literature in individuals affected with PTPN23-related conditions. This variant is not present in population databases (gnomAD no frequency).

NM_015466.4(PTPN23):c.4445A>G (p.Gln1482Arg)

Gene: PTPN23 (protein tyrosine phosphatase non-receptor type 23; plus strand). Cytogenetic location: 3p21.31.
Variant type: single nucleotide variant.
Coding change: c.4445A>G on transcript NM_015466.4 (MANE Select); coding-DNA position 4445, A replaced by G.
Protein change: p.Gln1482Arg; replaces glutamine 1482 with arginine.
Molecular consequence: missense variant.
Genome position (GRCh38, 1-based): chr3:47,412,719, A>G. VCF-style: chr3-47412719-A-G. GRCh37 (hg19) VCF-style: chr3-47454209-A-G.
Other names: c.4067A>G, p.Gln1356Arg (NM_001304482.2); short protein forms Q1356R, Q1482R.
Identifiers: ClinVar variation 1999497 (VCV001999497.2), dbSNP rs1190657108, ClinGen allele CA352567748.